The following is an entry in ClinVar:

NM_004370.6(COL12A1):c.427T>A (p.Phe143Ile)

Gene: COL12A1 (collagen type XII alpha 1 chain; minus strand). Cytogenetic location: 6q13.
Variant type: single nucleotide variant.
Coding change: c.427T>A on transcript NM_004370.6 (MANE Select); coding-DNA position 427, T replaced by A.
Protein change: p.Phe143Ile; replaces phenylalanine 143 with isoleucine.
Molecular consequence: missense variant. On other transcripts: intron variant (2).
Genome position (GRCh38, 1-based): chr6:75,189,783, A>T on the plus strand (T>A on the coding strand, the complement: COL12A1 is on the minus strand). VCF-style: chr6-75189783-A-T. GRCh37 (hg19) VCF-style: chr6-75899499-A-T.
Other names: c.427T>A, p.Phe143Ile (NM_001424113.1, NM_001424114.1, NM_001424115.1); c.73+12937T>A (NM_001424116.1, NM_080645.3); short protein forms F143I.
Identifiers: ClinVar variation 3391237 (VCV003391237.1).
Genomic context (GRCh38, chr6:75,189,783, plus strand): 5'-TGAAGTCTAAAATGTACTTGAAATTATTTCTTCCCACACTCCAAGAGCCATCCACGAGGA[A>T]AACCAAATCAGTCCAGGCACTGACAGAGCATTCTGAAATACATTTGATATCTTTTTAAAT-3'
Protein context (NP_004361.3, residues 133-153): CSVSAWTDLV[Phe143Ile]LVDGSWSVGR

ClinVar aggregate classification (germline): Uncertain significance (1 of 4 stars; one submission).

Conditions:
Bethlem myopathy 1A. Also called: MYOPATHY, BENIGN CONGENITAL, WITH CONTRACTURES; Bethlem myopathy 1; Bethlem Muscular Dystrophy. Identifiers: Orphanet 610, MedGen CN029274, MONDO:0024530, OMIM 158810.

Submission:

Neuberg Centre For Genomic Medicine, NCGM
Classification: Uncertain significance for Bethlem myopathy 1A. Last evaluated: 2023-07-22. Review status: criteria provided, single submitter. Criteria: ACMG Guidelines, 2015. Collection method: clinical testing. Allele origin: germline. Inheritance: Autosomal dominant inheritance. Affected: yes.
Comment: The missense variant c.427T>A p.Phe143Ile in the COL12A1 gene has not been reported previously as a pathogenic variant nor as a benign variant, to our knowledge. This variant is absent in the gnomAD Exomes. The amino acid Phe at position 143 is changed to a Ile changing protein sequence and it might alter its composition and physico-chemical properties. Computational evidence Polyphen, SIFT and MutationTaster predicts conflicting evidence on protein structure and function for this variant. The amino acid change p.Phe143Ile in COL12A1 is predicted as conserved by GERP++ and PhyloP across 100 vertebrates. For these reasons, this variant has been classified as Uncertain Significance